The following is an entry in ClinVar:

NM_015346.4(ZFYVE26):c.6589-3del

Gene: ZFYVE26 (zinc finger FYVE-type containing 26; minus strand). Cytogenetic location: 14q24.1.
Variant type: Deletion.
Coding change: c.6589-3del on transcript NM_015346.4 (MANE Select); 3 bases into the intron before coding-DNA position 6589, one base deleted (C; older notation c.6589-3delC).
Molecular consequence: intron variant.
Genome position (GRCh38, 1-based): chr14:67,756,148, G deleted on the plus strand (C on the coding strand, the reverse complement: ZFYVE26 is on the minus strand); the first of 2 consecutive G bases (chr14:67,756,148-67,756,149); deleting either gives the same sequence. VCF-style (leftmost placement, unchanged base first): chr14-67756147-TG-T. GRCh37 (hg19) VCF-style: chr14-68222864-TG-T.
Other names: c.6589-3del (NM_015346.3); c.6589-3delC (NM_015346.4).
Identifiers: ClinVar variation 704675 (VCV000704675.11), dbSNP rs1317757501, ClinGen allele CA707938070.

ClinVar aggregate classification (germline): Conflicting classifications of pathogenicity. Review status: criteria provided, conflicting classifications (1 of 4 stars). 2 submissions from 2 submitters: Uncertain significance (1); Likely benign (1). Last evaluated 2024-10-22.

Conditions:
Spastic paraplegia. Identifiers: MedGen C0037772, HP:0001258.

Submissions (2):

Labcorp Genetics (formerly Invitae), Labcorp
Classification: Likely benign for Spastic paraplegia. Last evaluated: 2024-10-22. Review status: criteria provided, single submitter. Criteria: Invitae Variant Classification Sherloc (09022015). Collection method: clinical testing. Allele origin: germline.

Women's Health and Genetics/Laboratory Corporation of America, LabCorp
Classification: Uncertain significance. Last evaluated: 2024-05-06. Review status: criteria provided, single submitter. Criteria: LabCorp Variant Classification Summary - May 2015. Collection method: clinical testing. Allele origin: germline.
Comment: Variant summary: ZFYVE26 c.6589-3delC alters a non-conserved nucleotide located close to a canonical splice site and therefore could affect mRNA splicing, leading to a significantly altered protein sequence. Consensus agreement among computation tools predict no significant impact on normal splicing. However, these predictions have yet to be confirmed by functional studies. The variant was absent in 251160 control chromosomes. The available data on variant occurrences in the general population are insufficient to allow any conclusion about variant significance. To our knowledge, no occurrence of c.6589-3delC in individuals affected with Hereditary Spastic Paraplegia 15 and no experimental evidence demonstrating its impact on protein function have been reported. ClinVar contains an entry for this variant (Variation ID: 704675). Based on the evidence outlined above, the variant was classified as uncertain significance.